The following is an entry in ClinVar:

ClinVar aggregate classification (germline): Uncertain significance (1 of 4 stars; one submission).

Allele frequency attached by ClinVar (database versions not stated): TOPMed below 0.00001.
gnomAD v4.1: 2 of 1,612,160 alleles (0.00012%); no homozygotes.

Submission:

CeGaT Center for Human Genetics Tuebingen
Classification: Uncertain significance. Last evaluated: 2024-05-01. Review status: criteria provided, single submitter. Criteria: CeGaT Center For Human Genetics Tuebingen Variant Classification Criteria Version 2. Collection method: clinical testing. Allele origin: germline. Affected: yes. Observed: 1 variant allele.
Comment: TTN: PM2, BP4

NM_001267550.2(TTN):c.11311+5410A>T

Genes: TTN (titin; minus strand), LOC126806432 (CDK7 strongly-dependent group 2 enhancer GRCh37_chr2:179611985-179613184; plus strand). Cytogenetic location: 2q31.2.
Variant type: single nucleotide variant.
Coding change: c.11311+5410A>T on transcript NM_001267550.2 (MANE Select); 5410 bases into the intron after coding-DNA position 11311, A replaced by T.
Molecular consequence: intron variant. On other transcripts: missense variant (1).
Genome position (GRCh38, 1-based): chr2:178,747,714, T>A on the plus strand (A>T on the coding strand, the complement: TTN is on the minus strand). VCF-style: chr2-178747714-T-A. GRCh37 (hg19) VCF-style: chr2-179612441-T-A.
Other names: c.14686A>T, p.Thr4896Ser (NM_133379.5); c.10222+5410A>T (NM_003319.4); c.10798+5410A>T (NM_133437.4); c.10597+5410A>T (NM_133432.3); c.10360+5410A>T (NM_133378.4, NM_001256850.1); short protein forms T4896S.
Identifiers: ClinVar variation 3239238 (VCV003239238.19), dbSNP rs2084070769.